The following is an entry in ClinVar:

ClinVar aggregate classification (germline): Uncertain significance (1 of 4 stars; one submission).

Conditions:
Hereditary cancer-predisposing syndrome. Also called: Tumor predisposition; Hereditary Cancer Syndrome; Hereditary neoplastic syndrome; Neoplastic Syndromes, Hereditary. Identifiers: Orphanet 140162, MedGen C0027672, MeSH D009386, MONDO:0015356.

Submission:

Ambry Genetics
Classification: Uncertain significance for Hereditary cancer-predisposing syndrome. Last evaluated: 2024-04-01. Review status: criteria provided, single submitter. Criteria: Ambry Variant Classification Scheme 2023. Collection method: clinical testing. Allele origin: germline.
Comment: The p.E190G variant (also known as c.569A>G), located in coding exon 3 of the PDGFRA gene, results from an A to G substitution at nucleotide position 569. The glutamic acid at codon 190 is replaced by glycine, an amino acid with similar properties. This amino acid position is conserved. In addition, this alteration is predicted to be tolerated by in silico analysis. Based on the available evidence, the clinical significance of this alteration remains unclear.

NM_006206.6(PDGFRA):c.569A>G (p.Glu190Gly)

Gene: PDGFRA (platelet derived growth factor receptor alpha; plus strand). Cytogenetic location: 4q12.
Variant type: single nucleotide variant.
Coding change: c.569A>G on transcript NM_006206.6 (MANE Select); coding-DNA position 569, A replaced by G.
Protein change: p.Glu190Gly; replaces glutamic acid 190 with glycine.
Molecular consequence: missense variant.
Genome position (GRCh38, 1-based): chr4:54,263,868, A>G. VCF-style: chr4-54263868-A-G. GRCh37 (hg19) VCF-style: chr4-55130035-A-G.
Other names: c.569A>G, p.Glu190Gly (NM_001347827.2, NM_001347829.2); c.644A>G, p.Glu215Gly (NM_001347828.2); c.608A>G, p.Glu203Gly (NM_001347830.2); short protein forms E203G, E190G, E215G.
Identifiers: ClinVar variation 3305466 (VCV003305466.1).